The following is an entry in ClinVar:

NM_000051.4(ATM):c.3280A>C (p.Asn1094His)

Gene: ATM (ATM serine/threonine kinase; plus strand). Cytogenetic location: 11q22.3.
Variant type: single nucleotide variant.
Coding change: c.3280A>C on transcript NM_000051.4 (MANE Select); coding-DNA position 3280, A replaced by C.
Protein change: p.Asn1094His; replaces asparagine 1094 with histidine.
Molecular consequence: missense variant.
Genome position (GRCh38, 1-based): chr11:108,272,848, A>C. VCF-style: chr11-108272848-A-C. GRCh37 (hg19) VCF-style: chr11-108143575-A-C.
Other names: c.3280A>C, p.Asn1094His (NM_001351834.2); short protein forms N1094H.
Identifiers: ClinVar variation 640007 (VCV000640007.8), dbSNP rs1591610333, ClinGen allele CA382516245.

ClinVar aggregate classification (germline): Uncertain significance (1 of 4 stars; one submission).

Conditions:
Ataxia-telangiectasia syndrome (AT). Also called: LOUIS-BAR SYNDROME; Ataxia-telangiectasia, complementation group E; Ataxia-telangiectasia, complementation group D; AT, COMPLEMENTATION GROUP C; Ataxia telangiectasia (A-T); Cerebello-oculocutaneous telangiectasia. Identifiers: Orphanet 100, MedGen C0004135, MONDO:0008840, OMIM 208900.

Submission:

Labcorp Genetics (formerly Invitae), Labcorp
Classification: Uncertain significance for Ataxia-telangiectasia syndrome. Last evaluated: 2018-09-19. Review status: criteria provided, single submitter. Criteria: Invitae Variant Classification Sherloc (09022015). Collection method: clinical testing. Allele origin: germline.
Comment: This sequence change replaces asparagine with histidine at codon 1094 of the ATM protein (p.Asn1094His). The asparagine residue is weakly conserved and there is a small physicochemical difference between asparagine and histidine. This variant is not present in population databases (ExAC no frequency). This variant has not been reported in the literature in individuals with ATM-related disease. Algorithms developed to predict the effect of missense changes on protein structure and function (SIFT, PolyPhen-2, Align-GVGD) all suggest that this variant is likely to be tolerated, but these predictions have not been confirmed by published functional studies and their clinical significance is uncertain. In summary, the available evidence is currently insufficient to determine the role of this variant in disease. Therefore, it has been classified as a Variant of Uncertain Significance.